The following is an entry in ClinVar:

NM_000075.4(CDK4):c.470C>G (p.Ala157Gly)

Gene: CDK4 (cyclin dependent kinase 4; minus strand). Cytogenetic location: 12q14.1.
Variant type: single nucleotide variant.
Coding change: c.470C>G on transcript NM_000075.4 (MANE Select); coding-DNA position 470, C replaced by G.
Protein change: p.Ala157Gly; replaces alanine 157 with glycine.
Molecular consequence: missense variant.
Genome position (GRCh38, 1-based): chr12:57,750,975, G>C on the plus strand (C>G on the coding strand, the complement: CDK4 is on the minus strand). VCF-style: chr12-57750975-G-C. GRCh37 (hg19) VCF-style: chr12-58144758-G-C.
Other names: short protein forms A157G.
Identifiers: ClinVar variation 1742587 (VCV001742587.2), dbSNP rs1487430935, ClinGen allele CA385546332.

ClinVar aggregate classification (germline): Uncertain significance (1 of 4 stars; one submission).

Conditions:
Hereditary cancer-predisposing syndrome. Also called: Hereditary Cancer Syndrome; Hereditary neoplastic syndrome; Neoplastic Syndromes, Hereditary; Tumor predisposition. Identifiers: Orphanet 140162, MedGen C0027672, MeSH D009386, MONDO:0015356.

gnomAD v4.1: 1 of 1,614,082 alleles (0.000062%); highest among the groups gnomAD compares: South Asian, 0.0011%; no homozygotes.

Submission:

Ambry Genetics
Classification: Uncertain significance for Hereditary cancer-predisposing syndrome. Last evaluated: 2020-09-29. Review status: criteria provided, single submitter. Criteria: Ambry Variant Classification Scheme 2023. Collection method: clinical testing. Allele origin: germline.
Comment: The p.A157G variant (also known as c.470C>G), located in coding exon 3 of the CDK4 gene, results from a C to G substitution at nucleotide position 470. The alanine at codon 157 is replaced by glycine, an amino acid with similar properties. This amino acid position is highly conserved in available vertebrate species. In addition, the in silico prediction for this alteration is inconclusive. Since supporting evidence is limited at this time, the clinical significance of this alteration remains unclear.